The following is an entry in ClinVar:

NM_001035.3(RYR2):c.14656-12T>C

Gene: RYR2 (ryanodine receptor 2; plus strand). Cytogenetic location: 1q43.
Variant type: single nucleotide variant.
Coding change: c.14656-12T>C on transcript NM_001035.3 (MANE Select); 12 bases into the intron before coding-DNA position 14656, T replaced by C.
Molecular consequence: intron variant.
Genome position (GRCh38, 1-based): chr1:237,830,518, T>C. VCF-style: chr1-237830518-T-C. GRCh37 (hg19) VCF-style: chr1-237993818-T-C.
Identifiers: ClinVar variation 3896300 (VCV003896300.2).

ClinVar aggregate classification (germline): Likely benign (1 of 4 stars; one submission).

Submission:

Women's Health and Genetics/Laboratory Corporation of America, LabCorp
Classification: Likely benign. Last evaluated: 2025-04-14. Review status: criteria provided, single submitter. Criteria: LabCorp Variant Classification Summary - May 2015. Collection method: clinical testing. Allele origin: germline.
Comment: Variant summary: RYR2 c.14656-12T>C alters a non-conserved nucleotide located at a position not widely known to affect splicing. Consensus agreement among computation tools predict no significant impact on normal splicing. However, these predictions have yet to be confirmed by functional studies. The variant was absent in 249078 control chromosomes. The available data on variant occurrences in the general population are insufficient to allow any conclusion about variant significance. To our knowledge, no occurrence of c.14656-12T>C in individuals affected with Catecholaminergic Polymorphic Ventricular Tachycardia and no experimental evidence demonstrating its impact on protein function have been reported. No submitters have cited clinical-significance assessments for this variant to ClinVar. Based on the evidence outlined above, the variant was classified as likely benign.